The following is an entry in ClinVar:

ClinVar aggregate classification (germline): Pathogenic (1 of 4 stars; one submission).

Conditions:
Carnitine acylcarnitine translocase deficiency (CACTD). Identifiers: Orphanet 159, MedGen C0342791, MONDO:0008918, OMIM 212138.

Submission:

Labcorp Genetics (formerly Invitae), Labcorp
Classification: Pathogenic for Carnitine acylcarnitine translocase deficiency. Last evaluated: 2024-01-24. Review status: criteria provided, single submitter. Criteria: Invitae Variant Classification Sherloc (09022015). Collection method: clinical testing. Allele origin: germline.
Comment: This variant is a gross deletion of the genomic region encompassing exon(s) 3-4 of the SLC25A20 gene. This variant would be expected to be in-frame, preserving the integrity of the reading frame. This variant has not been reported in the literature in individuals affected with SLC25A20-related conditions. Experimental studies and prediction algorithms are not available or were not evaluated, and the functional significance of this variant is currently unknown. This variant disrupts a region of the SLC25A20 protein in which other variant(s) (p.Arg133Trp) have been determined to be pathogenic (PMID: 15365988, 21605995). This suggests that this is a clinically significant region of the protein, and that variants that disrupt it are likely to be disease-causing. For these reasons, this variant has been classified as Pathogenic.

Literature cited by the submitters: PubMed 15365988; PubMed 21605995.

NC_000003.11:g.(?_48916771)_(48921577_?)del

Gene: SLC25A20 (solute carrier family 25 member 20; minus strand). Cytogenetic location: 3p21.31.
Variant type: Deletion.
Identifiers: ClinVar variation 2422998 (VCV002422998.4).